The following is an entry in ClinVar:

NC_000003.11:g.(?_69985874)_(70014399_?)del

Gene: MITF (melanocyte inducing transcription factor; plus strand). Cytogenetic location: 3p13.
Variant type: Deletion.
Identifiers: ClinVar variation 2422628 (VCV002422628.3).

ClinVar aggregate classification (germline): Pathogenic (1 of 4 stars; one submission).

Conditions:
Melanoma, cutaneous malignant, susceptibility to, 8. Also called: Cutaneous malignant melanoma 8; MELANOMA AND RENAL CELL CARCINOMA, SUSCEPTIBILITY TO. Identifiers: Orphanet 293822, MedGen C3152204, MONDO:0013759, OMIM 614456.
Waardenburg syndrome type 2A (WS2A). Also called: WAARDENBURG SYNDROME WITHOUT DYSTOPIA CANTHORUM. Identifiers: Orphanet 3440, MedGen C1860339, MONDO:0008671, OMIM 193510.
Tietz syndrome (TADS). Also called: TIETZ ALBINISM-DEAFNESS SYNDROME; HYPOPIGMENTATION/DEAFNESS OF TIETZ; ALBINISM-DEAFNESS OF TIETZ. Identifiers: Orphanet 42665, MedGen C0391816, MONDO:0007077, OMIM 103500.

Submission:

Labcorp Genetics (formerly Invitae), Labcorp
Classification: Pathogenic for Melanoma, cutaneous malignant, susceptibility to, 8; Waardenburg syndrome type 2A; Tietz syndrome. Last evaluated: 2022-09-24. Review status: criteria provided, single submitter. Criteria: Invitae Variant Classification Sherloc (09022015). Collection method: clinical testing. Allele origin: germline.
Comment: A gross deletion of the genomic region encompassing the full coding sequence of the MITF gene has been identified. Loss-of-function variants in MITF are known to be pathogenic (PMID: 8659547, 20127975). The boundaries of this event are unknown as they extend beyond the assayed region for this gene and therefore may encompass additional genes. Isolated whole-gene deletions of MITF have not been reported in the literature. However, larger copy number events that include this gene have been reported (PMID: 17318840). For these reasons, this variant has been classified as Pathogenic.

Literature cited by the submitters: PubMed 8659547; PubMed 20127975; PubMed 17318840.